The following is an entry in ClinVar:

ClinVar aggregate classification (germline): Uncertain significance (1 of 4 stars; one submission).

Conditions:
Hereditary cancer-predisposing syndrome. Also called: Hereditary neoplastic syndrome; Neoplastic Syndromes, Hereditary; Tumor predisposition; Hereditary Cancer Syndrome. Identifiers: Orphanet 140162, MedGen C0027672, MeSH D009386, MONDO:0015356.

Submission:

Ambry Genetics
Classification: Uncertain significance for Hereditary cancer-predisposing syndrome. Last evaluated: 2026-05-16. Review status: criteria provided, single submitter. Criteria: Ambry Variant Classification Scheme 2023. Collection method: clinical testing. Allele origin: germline.
Comment: The p.H104P variant (also known as c.311A>C), located in coding exon 1 of the GREM1 gene, results from an A to C substitution at nucleotide position 311. The histidine at codon 104 is replaced by proline, an amino acid with similar properties. This amino acid position is conserved. In addition, this alteration is predicted to be tolerated by in silico analysis. Based on the available evidence, the clinical significance of this variant remains unclear.

NM_013372.7(GREM1):c.311A>C (p.His104Pro)

Gene: GREM1 (gremlin 1, DAN family BMP antagonist; plus strand). Cytogenetic location: 15q13.3.
Variant type: single nucleotide variant.
Coding change: c.311A>C on transcript NM_013372.7 (MANE Select); coding-DNA position 311, A replaced by C.
Protein change: p.His104Pro; replaces histidine 104 with proline.
Molecular consequence: missense variant.
Genome position (GRCh38, 1-based): chr15:32,731,001, A>C. VCF-style: chr15-32731001-A-C. GRCh37 (hg19) VCF-style: chr15-33023202-A-C.
Other names: c.101A>C, p.His34Pro (NM_001191322.2); c.188A>C, p.His63Pro (NM_001191323.2); c.311A>C, p.His104Pro (NM_001368719.1); short protein forms H104P, H34P, H63P.
Identifiers: ClinVar variation 4858195 (VCV004858195.1).